The following is an entry in ClinVar:

NM_001384140.1(PCDH15):c.935A>G (p.Asn312Ser)

Gene: PCDH15 (protocadherin related 15; minus strand). Cytogenetic location: 10q21.1.
Variant type: single nucleotide variant.
Coding change: c.935A>G on transcript NM_001384140.1 (MANE Select); coding-DNA position 935, A replaced by G.
Protein change: p.Asn312Ser; replaces asparagine 312 with serine.
Molecular consequence: missense variant.
Genome position (GRCh38, 1-based): chr10:54,236,873, T>C on the plus strand (A>G on the coding strand, the complement: PCDH15 is on the minus strand). VCF-style: chr10-54236873-T-C. GRCh37 (hg19) VCF-style: chr10-55996633-T-C.
Other names: c.950A>G, p.Asn317Ser (NM_001142763.2, NM_001142769.4, NM_001142771.2); c.935A>G, p.Asn312Ser (NM_001142764.2, NM_001142765.2, NM_001142766.2 and 7 more transcripts); c.824A>G, p.Asn275Ser (NM_001142767.2); c.869A>G, p.Asn290Ser (NM_001142768.2, NM_001142773.2, NM_001354404.2); short protein forms N290S, N312S, N317S, N275S.
Identifiers: ClinVar variation 1370587 (VCV001370587.7), dbSNP rs2134388632, ClinGen allele CA376527968.

ClinVar aggregate classification (germline): Uncertain significance. Review status: criteria provided, single submitter (1 of 4 stars). 2 submissions from 2 submitters: Uncertain significance (1). 1 of the submissions does not count toward it. Last evaluated 2021-07-28.

Conditions:
Usher syndrome type 1F (USH1F). Also called: USHER SYNDROME, TYPE IF. Identifiers: Orphanet 231169, Orphanet 886, MedGen C1865885, MONDO:0011186, OMIM 602083.

Allele frequency attached by ClinVar (database versions not stated): gnomAD exomes below 0.00001.
gnomAD v4.1: 4 of 1,613,770 alleles (0.00025%); highest among the groups gnomAD compares: Non-Finnish European, 0.00034%; no homozygotes.

Submissions (2):

Labcorp Genetics (formerly Invitae), Labcorp
Classification: Uncertain significance. Last evaluated: 2021-07-28. Review status: criteria provided, single submitter. Criteria: Invitae Variant Classification Sherloc (09022015). Collection method: clinical testing. Allele origin: germline.
Comment: In summary, the available evidence is currently insufficient to determine the role of this variant in disease. Therefore, it has been classified as a Variant of Uncertain Significance. Algorithms developed to predict the effect of missense changes on protein structure and function are either unavailable or do not agree on the potential impact of this missense change (SIFT: "Tolerated"; PolyPhen-2: "Possibly Damaging"; Align-GVGD: "Class C0"). This variant has not been reported in the literature in individuals affected with PCDH15-related conditions. This variant is not present in population databases (ExAC no frequency). This sequence change replaces asparagine with serine at codon 312 of the PCDH15 protein (p.Asn312Ser). The asparagine residue is moderately conserved and there is a small physicochemical difference between asparagine and serine.

Natera, Inc.
Classification: Uncertain significance for Usher syndrome type 1F. Last evaluated: 2025-04-14. Review status: no assertion criteria provided. Collection method: clinical testing. Allele origin: germline. Not counted in ClinVar's aggregate classification.